The following is an entry in ClinVar:

NM_000350.3(ABCA4):c.6209C>G (p.Thr2070Arg)

Gene: ABCA4 (ATP binding cassette subfamily A member 4; minus strand). Cytogenetic location: 1p22.1.
Variant type: single nucleotide variant.
Coding change: c.6209C>G on transcript NM_000350.3 (MANE Select); coding-DNA position 6209, C replaced by G.
Protein change: p.Thr2070Arg; replaces threonine 2070 with arginine.
Molecular consequence: missense variant.
Genome position (GRCh38, 1-based): chr1:94,001,931, G>C on the plus strand (C>G on the coding strand, the complement: ABCA4 is on the minus strand). VCF-style: chr1-94001931-G-C. GRCh37 (hg19) VCF-style: chr1-94467487-G-C.
Other names: c.6209C>G (NM_000350.2); c.5987C>G, p.Thr1996Arg (NM_001425324.1); short protein forms T2070R, T1996R.
Identifiers: ClinVar variation 3588163 (VCV003588163.3).

ClinVar aggregate classification (germline): Pathogenic/Likely pathogenic. Review status: criteria provided, multiple submitters, no conflicts (2 of 4 stars). 2 submissions from 2 submitters: Pathogenic (1); Likely pathogenic (1). Last evaluated 2024-02-23.

Conditions:
Severe early-childhood-onset retinal dystrophy (STGD1). Also called: STGD; Stargardt macular dystrophy; Juvenile onset macular degeneration; Stargardt disease 1; MACULAR DYSTROPHY WITH FLECKS, TYPE 1. Identifiers: Orphanet 364055, Orphanet 827, MedGen C1855465, MeSH D000080362, MONDO:0009549, OMIM 248200.
Age related macular degeneration 2. Also called: MACULAR DEGENERATION, SENILE; MACULOPATHY, AGE-RELATED, 2; MACULOPATHY, AGE-RELATED. Identifiers: MedGen C3495438, MONDO:0007932, OMIM 153800.
Retinitis pigmentosa 19 (RP19). Also called: ABCA4-Related Retinitis Pigmentosa. Identifiers: Orphanet 791, MedGen C1866422, MONDO:0011137, OMIM 601718.
Cone-rod dystrophy 3 (CORD3). Identifiers: Orphanet 1872, MedGen C1858806, MONDO:0011395, OMIM 604116.

gnomAD v4.1: 5 of 1,614,162 alleles (0.00031%); highest among the groups gnomAD compares: Non-Finnish European, 0.00042%; no homozygotes.

Submissions (2):

Labcorp Genetics (formerly Invitae), Labcorp
Classification: Pathogenic. Last evaluated: 2024-02-23. Review status: criteria provided, single submitter. Criteria: Invitae Variant Classification Sherloc (09022015). Collection method: clinical testing. Allele origin: germline.
Comment: This sequence change replaces threonine, which is neutral and polar, with arginine, which is basic and polar, at codon 2070 of the ABCA4 protein (p.Thr2070Arg). This variant is not present in population databases (gnomAD no frequency). This missense change has been observed in individual(s) with Stargardt disease (PMID: 29925512). Advanced modeling of protein sequence and biophysical properties (such as structural, functional, and spatial information, amino acid conservation, physicochemical variation, residue mobility, and thermodynamic stability) performed at Invitae indicates that this missense variant is expected to disrupt ABCA4 protein function with a positive predictive value of 95%. Algorithms developed to predict the effect of sequence changes on RNA splicing suggest that this variant may disrupt the consensus splice site. For these reasons, this variant has been classified as Pathogenic.

Fulgent Genetics
Classification: Likely pathogenic for Age related macular degeneration 2; Severe early-childhood-onset retinal dystrophy; Retinitis pigmentosa 19; Cone-rod dystrophy 3. Last evaluated: 2024-02-05. Review status: criteria provided, single submitter. Criteria: ACMG Guidelines, 2015. Collection method: clinical testing. Allele origin: germline.

Literature cited by the submitters: PubMed 29925512 (cited by Labcorp Genetics (formerly Invitae), Labcorp).